The following is an entry in ClinVar:

ClinVar aggregate classification (germline): Benign. Review status: criteria provided, multiple submitters, no conflicts (2 of 4 stars). 4 submissions from 4 submitters: Benign (4). Last evaluated 2026-02-02.

Conditions:
Congenital stationary night blindness 1E. Also called: Night blindness, congenital stationary (complete), 1E, autosomal recessive. Identifiers: Orphanet 215, MedGen C3281215, MONDO:0013807, OMIM 614565.

Allele frequency attached by ClinVar (database versions not stated): gnomAD 0.01044 and 0.01102; 1000 Genomes Project 0.01058; ESP Exome Variant Server 0.01094; 1000 Genomes Project 30x 0.01187; TOPMed 0.01234.
gnomAD v4.1: 3,237 of 1,608,522 alleles (0.2%); highest among the groups gnomAD compares: African/African-American, 3.9%; 63 homozygotes.

Submissions (4):

Labcorp Genetics (formerly Invitae), Labcorp
Classification: Benign. Last evaluated: 2026-02-02. Review status: criteria provided, single submitter. Criteria: Invitae Variant Classification Sherloc (09022015). Collection method: clinical testing. Allele origin: germline.

Illumina Laboratory Services, Illumina
Classification: Benign for Congenital stationary night blindness 1E. Last evaluated: 2018-01-12. Review status: criteria provided, single submitter. Criteria: ICSL Variant Classification Criteria 13 December 2019. Collection method: clinical testing. Allele origin: germline.
Comment: This variant was observed in the ICSL laboratory as part of a predisposition screen in an ostensibly healthy population. It had not been previously curated by ICSL or reported in the Human Gene Mutation Database (HGMD: prior to June 1st, 2018), and was therefore a candidate for classification through an automated scoring system. Utilizing variant allele frequency, disease prevalence and penetrance estimates, and inheritance mode, an automated score was calculated to assess if this variant is too frequent to cause the disease. Based on the score and internal cut-off values, a variant classified as benign is not then subjected to further curation. The score for this variant resulted in a classification of benign for this disease.

Eurofins Ntd Llc (ga)
Classification: Benign. Last evaluated: 2014-10-28. Review status: criteria provided, single submitter. Criteria: EGL Classification Definitions 2015. Collection method: clinical testing. Allele origin: germline. Observed: 1 variant allele, 1 heterozygote.

Breakthrough Genomics
Classification: Benign. Review status: criteria provided, single submitter. Criteria: ACMG Guidelines, 2015. Collection method: not provided. Allele origin: germline. Inheritance: Autosomal recessive inheritance. Affected: yes.

NM_001004334.4(GPR179):c.2392G>A (p.Ala798Thr)

Gene: GPR179 (G protein-coupled receptor 179; minus strand). Cytogenetic location: 17q12.
Variant type: single nucleotide variant.
Coding change: c.2392G>A on transcript NM_001004334.4 (MANE Select); coding-DNA position 2392, G replaced by A.
Protein change: p.Ala798Thr; replaces alanine 798 with threonine.
Molecular consequence: missense variant.
Genome position (GRCh38, 1-based): chr17:38,331,177, C>T on the plus strand (G>A on the coding strand, the complement: GPR179 is on the minus strand). VCF-style: chr17-38331177-C-T. GRCh37 (hg19) VCF-style: chr17-36487060-C-T.
Other names: short protein forms A798T.
Identifiers: ClinVar variation 193826 (VCV000193826.18), dbSNP rs78470373, ClinGen allele CA200801.